The following is an entry in ClinVar:

ClinVar aggregate classification (germline): Likely pathogenic (1 of 4 stars; one submission).

Conditions:
Corneal dystrophy-perceptive deafness syndrome (CDPD). Also called: CORNEAL DYSTROPHY AND SENSORINEURAL DEAFNESS; HARBOYAN SYNDROME. Identifiers: Orphanet 1490, MedGen C1857572, MONDO:0009015, OMIM 217400.

Allele frequency attached by ClinVar (database versions not stated): gnomAD exomes 0.00001; ExAC 0.00002.
gnomAD v4.1: 4 of 1,613,900 alleles (0.00025%); highest among the groups gnomAD compares: Non-Finnish European, 0.00017%; no homozygotes.

Submission:

Women's Health and Genetics/Laboratory Corporation of America, LabCorp
Classification: Likely pathogenic for Corneal dystrophy-perceptive deafness syndrome. Last evaluated: 2023-03-02. Review status: criteria provided, single submitter. Criteria: LabCorp Variant Classification Summary - May 2015. Collection method: clinical testing. Allele origin: germline.
Comment: Variant summary: SLC4A11 c.141C>G (p.Tyr47X) results in a premature termination codon located in exon 2 which is predicted to cause an absence of the protein due to nonsense mediated decay, or N-terminal truncation due to translation initiation at a downstream codon. The first potential downstream in-frame start codon (ATG) is located in exon 2 at Met91, which is not an initiation codon in any alternative transcripts. Other truncating variants downstream of our variant, but upstream Met91 have been reported in affected individuals (HGMD). The variant allele was found at a frequency of 4e-06 in 250638 control chromosomes (gnomAD). The available data on variant occurrences in the general population are insufficient to allow any conclusion about variant significance. To our knowledge, no occurrence of c.141C>G in individuals affected with Corneal Dystrophy and Perceptive Deafness and no experimental evidence demonstrating its impact on protein function have been reported. No clinical diagnostic laboratories have submitted clinical-significance assessments for this variant to ClinVar after 2014. Based on the evidence outlined above, the variant was classified as likely pathogenic.

NM_001174089.2(SLC4A11):c.93C>G (p.Tyr31Ter)

Gene: SLC4A11 (solute carrier family 4 member 11; minus strand). Cytogenetic location: 20p13.
Variant type: single nucleotide variant.
Coding change: c.93C>G on transcript NM_001174089.2 (MANE Select); coding-DNA position 93, C replaced by G.
Protein change: p.Tyr31Ter; replaces tyrosine 31 with a stop codon.
Molecular consequence: nonsense. On other transcripts: non-coding transcript variant (3).
Genome position (GRCh38, 1-based): chr20:3,234,890, G>C on the plus strand (C>G on the coding strand, the complement: SLC4A11 is on the minus strand). VCF-style: chr20-3234890-G-C. GRCh37 (hg19) VCF-style: chr20-3215536-G-C.
Other names: c.222C>G, p.Tyr74Ter (NM_001174090.2, NM_001400280.1); c.93C>G, p.Tyr31Ter (NM_001363745.2); c.36C>G, p.Tyr12Ter (NM_001400277.1, NM_001400278.1, NM_001400279.1); c.141C>G, p.Tyr47Ter (NM_032034.4); short protein forms Y12*, Y31*, Y47*, Y74*.
Identifiers: ClinVar variation 2501267 (VCV002501267.1), dbSNP rs767919855, ClinGen allele CA9742443.
Genomic context (GRCh38, chr20:3,234,890, plus strand): 5'-GGCCTCATCCCCCAGGATCTCCTCTCGGGCTTCGAAGGTGTCATCTGTGTCACACTTGTA[G>C]TAGCCTAGAGACCCCCAAGAGCAAGAGGGCCTGGCTGTTAAAGTGCCACACACAGGAAGG-3'